The following is an entry in ClinVar:

ClinVar aggregate classification (germline): Pathogenic. Review status: criteria provided, multiple submitters, no conflicts (2 of 4 stars). 2 submissions from 2 submitters: Pathogenic (2). Last evaluated 2026-05-01.

Submissions (2):

CeGaT Center for Human Genetics Tuebingen
Classification: Pathogenic. Last evaluated: 2026-05-01. Review status: criteria provided, single submitter. Criteria: CeGaT Center For Human Genetics Tuebingen Variant Classification Criteria Version 2. Collection method: clinical testing. Allele origin: germline. Affected: yes. Observed: 1 variant allele.
Comment: NEXMIF: PVS1, PM2, PS2:Moderate, PS4:Supporting

GeneDx
Classification: Pathogenic. Last evaluated: 2016-10-04. Review status: criteria provided, single submitter. Criteria: GeneDx Variant Classification (06012015). Collection method: clinical testing. Allele origin: germline. Affected: yes.
Comment: The apparently mosaic S498X variant in the KIAA2022 gene has not been reported previously as a pathogenic variant nor as a benign variant, to our knowledge. This variant is predicted to cause loss of normal protein function either through protein truncation or nonsense-mediated mRNA decay. The S498X variant was not observed in approximately 6,500 individuals of European and African American ancestry in the NHLBI Exome Sequencing Project, indicating it is not a common benign variant in these populations. Based on currently available evidence, we interpret S498X as a pathogenic variant

NM_001008537.3(NEXMIF):c.1493C>A (p.Ser498Ter)

Gene: NEXMIF (neurite extension and migration factor; minus strand). Cytogenetic location: Xq13.3.
Variant type: single nucleotide variant.
Coding change: c.1493C>A on transcript NM_001008537.3 (MANE Select); coding-DNA position 1493, C replaced by A.
Protein change: p.Ser498Ter; replaces serine 498 with a stop codon.
Molecular consequence: nonsense.
Genome position (GRCh38, 1-based): chrX:74,743,064, G>T on the plus strand (C>A on the coding strand, the complement: NEXMIF is on the minus strand). VCF-style: chrX-74743064-G-T. GRCh37 (hg19) VCF-style: chrX-73962899-G-T.
Other names: short protein forms S498*.
Identifiers: ClinVar variation 280904 (VCV000280904.4), dbSNP rs886042023, ClinGen allele CA10603695.